The following is an entry in ClinVar:

NM_001099274.3(TINF2):c.500C>T (p.Ala167Val)

Gene: TINF2 (TERF1 interacting nuclear factor 2; minus strand). Cytogenetic location: 14q12.
Variant type: single nucleotide variant.
Coding change: c.500C>T on transcript NM_001099274.3 (MANE Select); coding-DNA position 500, C replaced by T.
Protein change: p.Ala167Val; replaces alanine 167 with valine.
Molecular consequence: missense variant.
Genome position (GRCh38, 1-based): chr14:24,241,211, G>A on the plus strand (C>T on the coding strand, the complement: TINF2 is on the minus strand). VCF-style: chr14-24241211-G-A. GRCh37 (hg19) VCF-style: chr14-24710417-G-A.
Other names: c.395C>T, p.Ala132Val (NM_001363668.2); c.500C>T, p.Ala167Val (NM_012461.3); short protein forms A132V, A167V.
Identifiers: ClinVar variation 863302 (VCV000863302.10), dbSNP rs562843857, ClinGen allele CA7130648.

ClinVar aggregate classification (germline): Uncertain significance (1 of 4 stars; one submission).

Conditions:
Dyskeratosis congenita. Identifiers: Orphanet 1775, MedGen C0265965, MONDO:0015780.

Allele frequency attached by ClinVar (database versions not stated): gnomAD exomes below 0.00001 and 0.00001; ExAC 0.00003; TOPMed 0.00003; gnomAD 0.00004; 1000 Genomes Project 30x 0.00031; 1000 Genomes Project 0.00040.
gnomAD v4.1: 10 of 1,614,202 alleles (0.00062%); highest among the groups gnomAD compares: African/African-American, 0.013%; no homozygotes.

Submission:

Labcorp Genetics (formerly Invitae), Labcorp
Classification: Uncertain significance for Dyskeratosis congenita. Last evaluated: 2024-12-30. Review status: criteria provided, single submitter. Criteria: Invitae Variant Classification Sherloc (09022015). Collection method: clinical testing. Allele origin: germline.
Comment: This sequence change replaces alanine, which is neutral and non-polar, with valine, which is neutral and non-polar, at codon 167 of the TINF2 protein (p.Ala167Val). This variant is present in population databases (rs562843857, gnomAD 0.02%). This variant has not been reported in the literature in individuals affected with TINF2-related conditions. ClinVar contains an entry for this variant (Variation ID: 863302). An algorithm developed to predict the effect of missense changes on protein structure and function (PolyPhen-2) suggests that this variant is likely to be disruptive. Algorithms developed to predict the effect of sequence changes on RNA splicing suggest that this variant may disrupt the consensus splice site. In summary, the available evidence is currently insufficient to determine the role of this variant in disease. Therefore, it has been classified as a Variant of Uncertain Significance.